The following is an entry in ClinVar:

ClinVar aggregate classification (germline): Likely benign (1 of 4 stars; one submission).

Allele frequency attached by ClinVar (database versions not stated): TOPMed below 0.00001.

Submission:

GeneDx
Classification: Likely benign. Last evaluated: 2016-09-22. Review status: criteria provided, single submitter. Criteria: GeneDx Variant Classification (06012015). Collection method: clinical testing. Allele origin: germline. Affected: yes.
Comment: This variant is considered likely benign or benign based on one or more of the following criteria: it is a conservative change, it occurs at a poorly conserved position in the protein, it is predicted to be benign by multiple in silico algorithms, and/or has population frequency not consistent with disease.

NM_000051.4(ATM):c.-27G>T

Gene: ATM (ATM serine/threonine kinase; plus strand). Cytogenetic location: 11q22.3.
Variant type: single nucleotide variant.
Coding change: c.-27G>T on transcript NM_000051.4 (MANE Select); 27 bases upstream of the start codon, G replaced by T.
Molecular consequence: 5 prime UTR variant.
Genome position (GRCh38, 1-based): chr11:108,227,598, G>T. VCF-style: chr11-108227598-G-T. GRCh37 (hg19) VCF-style: chr11-108098325-G-T.
Other names: c.-27G>T (NM_001351834.2, NM_001351835.2, NM_001351836.2).
Identifiers: ClinVar variation 385939 (VCV000385939.1), dbSNP rs1057522375, ClinGen allele CA16605747.